The following is an entry in ClinVar:

NM_000038.6(APC):c.4898C>A (p.Thr1633Lys)

Gene: APC (APC regulator of Wnt signaling pathway; plus strand). Cytogenetic location: 5q22.2.
Variant type: single nucleotide variant.
Coding change: c.4898C>A on transcript NM_000038.6 (MANE Select); coding-DNA position 4898, C replaced by A.
Protein change: p.Thr1633Lys; replaces threonine 1633 with lysine.
Molecular consequence: missense variant.
Genome position (GRCh38, 1-based): chr5:112,840,492, C>A. VCF-style: chr5-112840492-C-A. GRCh37 (hg19) VCF-style: chr5-112176189-C-A.
Other names: c.4898C>A, p.Thr1633Lys (NM_001127510.3, NM_001354895.2); c.4844C>A, p.Thr1615Lys (NM_001127511.3); c.4952C>A, p.Thr1651Lys (NM_001354896.2); c.4928C>A, p.Thr1643Lys (NM_001354897.2); c.4823C>A, p.Thr1608Lys (NM_001354898.2); c.4814C>A, p.Thr1605Lys (NM_001354899.2); c.4775C>A, p.Thr1592Lys (NM_001354900.2); c.4721C>A, p.Thr1574Lys (NM_001354901.2); and 5 more; short protein forms T1633K, T1615K, T1643K, T1651K, T1592K, T1605K, T1350K, T1473K.
Identifiers: ClinVar variation 537555 (VCV000537555.38), dbSNP rs765215625, ClinGen allele CA16032067.
Genomic context (GRCh38, chr5:112,840,492, plus strand): 5'-CTGTGTACAAACTTCTACCATCACAAAACAGGTTGCAACCCCAAAAGCATGTTAGTTTTA[C>A]ACCGGGGGATGATATGCCACGGGTGTATTGTGTTGAAGGGACACCTATAAACTTTTCCAC-3'
Protein context (NP_000029.2, residues 1623-1643): RLQPQKHVSF[Thr1633Lys]PGDDMPRVYC

ClinVar aggregate classification (germline): Uncertain significance. Review status: criteria provided, multiple submitters, no conflicts (2 of 4 stars). 4 submissions from 4 submitters: Uncertain significance (4). Last evaluated 2025-08-09.

Conditions:
Hereditary cancer-predisposing syndrome. Also called: Hereditary Cancer Syndrome; Tumor predisposition; Neoplastic Syndromes, Hereditary; Hereditary neoplastic syndrome. Identifiers: Orphanet 140162, MedGen C0027672, MeSH D009386, MONDO:0015356.
Familial adenomatous polyposis 1 (FAP1). Also called: FAMILIAL ADENOMATOUS POLYPOSIS 1, ATTENUATED; POLYPOSIS, ADENOMATOUS INTESTINAL. Identifiers: MedGen C2713442, MONDO:0021056, OMIM 175100. Disease mechanism: loss of function.

gnomAD v4.1: 1 of 1,614,156 alleles (0.000062%); highest among the groups gnomAD compares: Non-Finnish European, 0.000085%; no homozygotes.

Submissions (4):

Ambry Genetics
Classification: Uncertain significance for Hereditary cancer-predisposing syndrome. Last evaluated: 2025-08-09. Review status: criteria provided, single submitter. Criteria: Ambry Variant Classification Scheme 2023. Collection method: clinical testing. Allele origin: germline.
Comment: The p.T1633K variant (also known as c.4898C>A), located in coding exon 15 of the APC gene, results from a C to A substitution at nucleotide position 4898. The threonine at codon 1633 is replaced by lysine, an amino acid with similar properties. This alteration was not observed in 691 North American patients with colorectal adenomas, but was observed in 1/969 matched healthy controls (Azzopardi D et al. Cancer Res. 2008 Jan; 68(2):358-63). This amino acid position is well conserved in available vertebrate species. In addition, in silico predictors for this gene do not accurately predict pathogenicity. Since supporting evidence is limited at this time, the clinical significance of this alteration remains unclear.

Labcorp Genetics (formerly Invitae), Labcorp
Classification: Uncertain significance for Familial adenomatous polyposis 1. Last evaluated: 2024-04-22. Review status: criteria provided, single submitter. Criteria: Invitae Variant Classification Sherloc (09022015). Collection method: clinical testing. Allele origin: germline.
Comment: This sequence change replaces threonine, which is neutral and polar, with lysine, which is basic and polar, at codon 1633 of the APC protein (p.Thr1633Lys). This variant is not present in population databases (gnomAD no frequency). This variant has not been reported in the literature in individuals affected with APC-related conditions. ClinVar contains an entry for this variant (Variation ID: 537555). Advanced modeling of protein sequence and biophysical properties (such as structural, functional, and spatial information, amino acid conservation, physicochemical variation, residue mobility, and thermodynamic stability) performed at Invitae indicates that this missense variant is not expected to disrupt APC protein function with a negative predictive value of 95%. In summary, the available evidence is currently insufficient to determine the role of this variant in disease. Therefore, it has been classified as a Variant of Uncertain Significance.

CeGaT Center for Human Genetics Tuebingen
Classification: Uncertain significance. Last evaluated: 2023-12-01. Review status: criteria provided, single submitter. Criteria: CeGaT Center For Human Genetics Tuebingen Variant Classification Criteria Version 2. Collection method: clinical testing. Allele origin: germline. Affected: yes. Observed: 1 variant allele.
Comment: APC: PM2

GeneDx
Classification: Uncertain significance. Last evaluated: 2023-11-27. Review status: criteria provided, single submitter. Criteria: GeneDx Variant Classification Process June 2021. Collection method: clinical testing. Allele origin: germline. Affected: yes.
Comment: Not observed at significant frequency in large population cohorts (gnomAD); In silico analysis supports that this missense variant does not alter protein structure/function; Observed only in unaffected controls is a study of individuals with colorectal adenomas (PMID: 18199528); This variant is associated with the following publications: (PMID: 18199528)

Literature cited by the submitters: PubMed 18199528 (cited by Ambry Genetics).